The following is an entry in ClinVar:

ClinVar aggregate classification (germline): Conflicting classifications of pathogenicity. Review status: criteria provided, conflicting classifications (1 of 4 stars). 4 submissions from 4 submitters: Uncertain significance (1); Benign (2); Likely benign (1). Last evaluated 2025-08-23.

Conditions:
Erythrocytosis, familial, 4 (ECYT4). Identifiers: Orphanet 247511, MedGen C2673187, MONDO:0012729, OMIM 611783.
Inborn genetic diseases. Identifiers: MedGen C0950123, MeSH D030342.

Allele frequency attached by ClinVar (database versions not stated): gnomAD exomes 0.00061; ExAC 0.00071; gnomAD 0.00214 and 0.00223; TOPMed 0.00224; ESP Exome Variant Server 0.00238; 1000 Genomes Project 0.00419; 1000 Genomes Project 30x 0.00500.

Submissions (4):

Ambry Genetics
Classification: Uncertain significance for Inborn genetic diseases. Last evaluated: 2025-08-23. Review status: criteria provided, single submitter. Criteria: Ambry Variant Classification Scheme 2023. Collection method: clinical testing. Allele origin: germline.

Labcorp Genetics (formerly Invitae), Labcorp
Classification: Benign. Last evaluated: 2025-08-20. Review status: criteria provided, single submitter. Criteria: Invitae Variant Classification Sherloc (09022015). Collection method: clinical testing. Allele origin: germline.

Blueprint Genetics
Classification: Likely benign. Last evaluated: 2024-11-05. Review status: criteria provided, single submitter. Criteria: ACMG Guidelines, 2015. Collection method: clinical testing. Allele origin: germline.

Illumina Laboratory Services, Illumina
Classification: Benign for Erythrocytosis, familial, 4. Last evaluated: 2018-01-13. Review status: criteria provided, single submitter. Criteria: ICSL Variant Classification Criteria 13 December 2019. Collection method: clinical testing. Allele origin: germline.
Comment: This variant was observed in the ICSL laboratory as part of a predisposition screen in an ostensibly healthy population. It had not been previously curated by ICSL or reported in the Human Gene Mutation Database (HGMD: prior to June 1st, 2018), and was therefore a candidate for classification through an automated scoring system. Utilizing variant allele frequency, disease prevalence and penetrance estimates, and inheritance mode, an automated score was calculated to assess if this variant is too frequent to cause the disease. Based on the score and internal cut-off values, a variant classified as benign is not then subjected to further curation. The score for this variant resulted in a classification of benign for this disease.

NM_001430.5(EPAS1):c.41G>A (p.Arg14Lys)

Gene: EPAS1 (endothelial PAS domain protein 1; plus strand). Cytogenetic location: 2p21.
Variant type: single nucleotide variant.
Coding change: c.41G>A on transcript NM_001430.5 (MANE Select); coding-DNA position 41, G replaced by A.
Protein change: p.Arg14Lys; replaces arginine 14 with lysine.
Molecular consequence: missense variant.
Genome position (GRCh38, 1-based): chr2:46,346,887, G>A. VCF-style: chr2-46346887-G-A. GRCh37 (hg19) VCF-style: chr2-46574026-G-A.
Other names: short protein forms R14K.
Identifiers: ClinVar variation 897664 (VCV000897664.11), dbSNP rs73926269, ClinGen allele CA1644469.
Genomic context (GRCh38, chr2:46,346,887, plus strand): 5'-GGCTGACAGTAACCTTTCCGGGACTAACCCCTTCTTCTCCACTTAGGAGTAGCTCGGAGA[G>A]GAGGAAGGAGAAGTCCCGGGATGCTGCGCGGTGCCGGCGGAGCAAGGAGACGGAGGTGTT-3'
Protein context (NP_001421.2, residues 4-24): DKEKKRSSSE[Arg14Lys]RKEKSRDAAR